The following is an entry in ClinVar:

NM_153000.5(APCDD1):c.1509C>T (p.Cys503=)

Gene: APCDD1 (APC down-regulated 1; plus strand). Cytogenetic location: 18p11.22.
Variant type: single nucleotide variant.
Coding change: c.1509C>T on transcript NM_153000.5 (MANE Select); coding-DNA position 1509, C replaced by T.
Protein change: p.Cys503=; no amino-acid change (cysteine 503 retained).
Molecular consequence: synonymous variant.
Genome position (GRCh38, 1-based): chr18:10,488,002, C>T. VCF-style: chr18-10488002-C-T. GRCh37 (hg19) VCF-style: chr18-10487999-C-T.
Identifiers: ClinVar variation 1237131 (VCV001237131.13), dbSNP rs60421789, ClinGen allele CA8891314.

ClinVar aggregate classification (germline): Benign. Review status: criteria provided, multiple submitters, no conflicts (2 of 4 stars). 4 submissions from 4 submitters: Benign (4). Last evaluated 2026-01-25.

Conditions:
APCDD1-related disorder. Also called: APCDD1-related condition.

Allele frequency attached by ClinVar (database versions not stated): gnomAD exomes 0.00725 and 0.01757; ExAC 0.02078; gnomAD 0.05903 and 0.06296; ESP Exome Variant Server 0.06674; TOPMed 0.06738; 1000 Genomes Project 0.07428; 1000 Genomes Project 30x 0.07870.
gnomAD v4.1: 20,165 of 1,613,834 alleles (1.2%); highest among the groups gnomAD compares: African/African-American, 20%; 1,628 homozygotes.

Submissions (4):

Labcorp Genetics (formerly Invitae), Labcorp
Classification: Benign. Last evaluated: 2026-01-25. Review status: criteria provided, single submitter. Criteria: Invitae Variant Classification Sherloc (09022015). Collection method: clinical testing. Allele origin: germline.

PreventionGenetics, part of Exact Sciences
Classification: Benign for APCDD1-related condition. Last evaluated: 2025-02-24. Review status: criteria provided, single submitter. Criteria: ACMG Guidelines, 2015. Collection method: clinical testing. Allele origin: germline.
Comment: This variant is classified as benign based on ACMG/AMP sequence variant interpretation guidelines (Richards et al. 2015 PMID: 25741868, with internal and published modifications).

GeneDx
Classification: Benign. Last evaluated: 2018-11-10. Review status: criteria provided, single submitter. Criteria: GeneDx Variant Classification Process June 2021. Collection method: clinical testing. Allele origin: germline. Affected: yes.

Breakthrough Genomics
Classification: Benign. Review status: criteria provided, single submitter. Criteria: ACMG Guidelines, 2015. Collection method: not provided. Allele origin: germline. Inheritance: Autosomal dominant inheritance. Affected: yes.